The following is an entry in ClinVar:

ClinVar aggregate classification (germline): Pathogenic (1 of 4 stars; one submission).

Conditions:
Intellectual developmental disorder, autosomal dominant 55, with seizures. Also called: MENTAL RETARDATION, AUTOSOMAL DOMINANT 55, WITH SEIZURES; Intellectual disability, autosomal dominant 55, with seizures. Identifiers: MedGen C4693371, MONDO:0030921, OMIM 617831.

Submission:

Victorian Clinical Genetics Services, Murdoch Childrens Research Institute
Classification: Pathogenic for Intellectual developmental disorder, autosomal dominant 55, with seizures. Last evaluated: 2023-07-17. Review status: criteria provided, single submitter. Criteria: ACMG Guidelines, 2015. Collection method: clinical testing. Allele origin: germline. Inheritance: Autosomal dominant inheritance. Affected: yes.
Comment: Based on the classification scheme VCGS_Germline_v1.3.4, this variant is classified as Pathogenic. Following criteria are met: 0102 - Loss of function is a known mechanism of disease in this gene and is associated with autosomal recessive congenital disorder of glycosylation, type 1aa (MIM#617082) and autosomal dominant intellectual disability 55, with seizures (MIM#617831). (I) 0107 - This gene is associated with autosomal dominant disease. A single homozygous missense variant has been reported to cause recessive disease (OMIM, PMID: 25066056), whereas all other variants have been reported in association with the dominant condition (PMIDs: 29100083, 31656175, 32485575). (I) 0201 - Variant is predicted to cause nonsense-mediated decay (NMD) and loss of protein (premature termination codon is located at least 54 nucleotides upstream of the final exon-exon junction). (SP) 0251 - This variant is heterozygous. (I) 0301 - Variant is absent from gnomAD (both v2 and v3). (SP) 0701 - Other NMD predicted variants comparable to the one identified in this case have very strong previous evidence for pathogenicity (DECIPHER). (SP) 0807 - This variant has no previous evidence of pathogenicity. (I) 0905 - No published segregation evidence has been identified for this variant. (I) 1007 - No published functional evidence has been identified for this variant. (SP) Legend: (SP) - Supporting pathogenic, (I) - Information, (SB) - Supporting benign

Literature cited by the submitters: PubMed 25066056; PubMed 29100083; PubMed 31656175; PubMed 32485575.

NM_138459.5(NUS1):c.647dup (p.Arg217fs)

Gene: NUS1 (NUS1 dehydrodolichyl diphosphate synthase subunit; plus strand). Cytogenetic location: 6q22.1.
Variant type: Duplication.
Coding change: c.647dup on transcript NM_138459.5 (MANE Select); coding-DNA position 647, one base duplicated (A; older notation c.647dupA).
Protein change: p.Arg217fs; shifts the reading frame from arginine 217.
Molecular consequence: frameshift variant.
Genome position (GRCh38, 1-based): chr6:117,694,136, A duplicated; the last of 4 consecutive A bases (chr6:117,694,133-117,694,136); duplicating any one gives the same sequence. VCF-style (leftmost placement, unchanged base first): chr6-117694132-C-CA. GRCh37 (hg19) VCF-style: chr6-118015295-C-CA.
Other names: short protein forms R217fs.
Identifiers: ClinVar variation 3254587 (VCV003254587.1), dbSNP rs2482016135.